The following is an entry in ClinVar:

NM_004006.3(DMD):c.1993-10C>T

Gene: DMD (dystrophin; minus strand). Cytogenetic location: Xp21.1.
Variant type: single nucleotide variant.
Coding change: c.1993-10C>T on transcript NM_004006.3 (MANE Select); 10 bases into the intron before coding-DNA position 1993, C replaced by T.
Molecular consequence: intron variant.
Genome position (GRCh38, 1-based): chrX:32,545,344, G>A on the plus strand (C>T on the coding strand, the complement: DMD is on the minus strand). VCF-style: chrX-32545344-G-A. GRCh37 (hg19) VCF-style: chrX-32563461-G-A.
Other names: c.1969-10C>T (NM_000109.4); c.1981-10C>T (NM_004009.3); c.1624-10C>T (NM_004010.3); c.1993-10C>T (NM_004006.2).
Identifiers: ClinVar variation 1158103 (VCV001158103.12), dbSNP rs1226290209, ClinGen allele CA640993379.
Genomic context (GRCh38, chrX:32,545,344, plus strand): 5'-TACAGTTGTCTGTGTTAGTGATGGCTGAGTGGTGGTGACAGCCTGTGAAATCTGTGAGAA[G>A]TATTGAAACAGAGGTCAGACATTGCTAGAAAGACTTCAGTAAAGACTGCTTGGAGTGGCA-3'

ClinVar aggregate classification (germline): Conflicting classifications of pathogenicity. Review status: criteria provided, conflicting classifications (1 of 4 stars). 3 submissions from 3 submitters: Uncertain significance (1); Likely benign (1). 1 of the submissions does not count toward it. Last evaluated 2025-01-22.

Conditions:
DMD-related disorder. Also called: DMD-related condition.
Duchenne muscular dystrophy (DMD). Also called: MUSCULAR DYSTROPHY, PSEUDOHYPERTROPHIC PROGRESSIVE, DUCHENNE TYPE; Duchenne Muscular Dystrophy (DMD). Identifiers: Orphanet 98896, MedGen C0013264, MONDO:0010679, OMIM 310200.

Allele frequency attached by ClinVar (database versions not stated): gnomAD exomes below 0.00001.
gnomAD v4.1: 1 of 1,207,938 alleles (0.000083%); highest among the groups gnomAD compares: Admixed American, 0.0022%; no homozygotes.

Submissions (3):

Athena Diagnostics
Classification: Uncertain significance. Last evaluated: 2025-01-22. Review status: criteria provided, single submitter. Criteria: Athena Diagnostics Criteria. Collection method: clinical testing. Allele origin: unknown.
Comment: Available data are insufficient to determine the clinical significance of the variant at this time. This variant has not been reported in large, multi-ethnic general populations. Computational tools yielded predictions that this variant is unlikely to have an effect on normal RNA splicing.

Labcorp Genetics (formerly Invitae), Labcorp
Classification: Likely benign for Duchenne muscular dystrophy. Last evaluated: 2021-07-08. Review status: criteria provided, single submitter. Criteria: Invitae Variant Classification Sherloc (09022015). Collection method: clinical testing. Allele origin: germline.

PreventionGenetics, part of Exact Sciences
Classification: Likely benign for DMD-related condition. Last evaluated: 2021-11-16. Review status: no assertion criteria provided. Collection method: clinical testing. Allele origin: germline. Not counted in ClinVar's aggregate classification.
Comment: This variant is classified as likely benign based on ACMG/AMP sequence variant interpretation guidelines (Richards et al. 2015 PMID: 25741868, with internal and published modifications).